The following is an entry in ClinVar:

ClinVar aggregate classification (germline): Uncertain significance (1 of 4 stars; one submission).

Conditions:
Leukoencephalopathy with vanishing white matter 4 (VWM4). Also called: Leukoencephalopathy with vanishing white matter 4, with or without ovarian failure; EIF2B4-Related Childhood Ataxia with Central Nervous System Hypomyelination/Vanishing White Matter. Identifiers: MedGen C5830406, MONDO:0957872, OMIM 620314.

Submission:

3billion
Classification: Uncertain significance for Leukoencephalopathy with vanishing white matter 4. Last evaluated: 2025-08-18. Review status: criteria provided, single submitter. Criteria: ACMG Guidelines, 2015. Collection method: clinical testing. Allele origin: germline. Affected: yes.
Comment: The variant is not observed in the gnomAD v4.1.0 dataset. Predicted Consequence/Location: Missense variant In silico tool predictions suggest damaging effect of the variant on gene or gene product [REVEL: 0.96 (>=0.6, sensitivity 0.68 and specificity 0.92); 3Cnet: 0.98 (> 0.75, sensitivity 0.96 and precision 0.92)]. Therefore, this variant is classified as VUS according to the recommendation of ACMG/AMP guideline.

NM_001034116.2(EIF2B4):c.799C>G (p.Arg267Gly)

Genes: EIF2B4 (eukaryotic translation initiation factor 2B subunit delta; minus strand), GTF3C2-AS2 (GTF3C2 antisense RNA 2; plus strand). Cytogenetic location: 2p23.3.
Variant type: single nucleotide variant.
Coding change: c.799C>G on transcript NM_001034116.2 (MANE Select); coding-DNA position 799, C replaced by G.
Protein change: p.Arg267Gly; replaces arginine 267 with glycine.
Molecular consequence: missense variant. On other transcripts: non-coding transcript variant (8).
Genome position (GRCh38, 1-based): chr2:27,367,543, G>C on the plus strand (C>G on the coding strand, the complement: EIF2B4 is on the minus strand). VCF-style: chr2-27367543-G-C. GRCh37 (hg19) VCF-style: chr2-27590410-G-C.
Other names: c.862C>G, p.Arg288Gly (NM_001318965.2); c.754C>G, p.Arg252Gly (NM_001318966.2); c.706C>G, p.Arg236Gly (NM_001318967.2); c.214C>G, p.Arg72Gly (NM_001318968.2); c.181C>G, p.Arg61Gly (NM_001318969.2); c.796C>G, p.Arg266Gly (NM_015636.4); c.859C>G, p.Arg287Gly (NM_172195.4); short protein forms R236G, R252G, R266G, R267G, R287G, R288G, R61G, R72G.
Identifiers: ClinVar variation 4854168 (VCV004854168.1).
Genomic context (GRCh38, chr2:27,367,543, plus strand): 5'-CACTGGTGATTTCCTTGTTAAGGAACTTGATGGCGTTGTGCATGCTCGCTGACAGGGGAC[G>C]GCACTGAGTCAGGAAGCTATAATACAACAGCAATACCTTATATCTGCGCAACTCTTCACA-3'
Protein context (NP_001029288.1, residues 257-277): KPYMSFLTQC[Arg267Gly]PLSASMHNAI